The following is an entry in ClinVar:

ClinVar aggregate classification (germline): Uncertain significance (1 of 4 stars; one submission).

Conditions:
Developmental and epileptic encephalopathy, 84. Also called: EPILEPTIC ENCEPHALOPATHY, EARLY IFANTILE, 84. Identifiers: MedGen C5394081, MONDO:0032918, OMIM 618792.

Submission:

Pittsburgh Clinical Genomics Laboratory, University of Pittsburgh Medical Center
Classification: Uncertain significance for Developmental and epileptic encephalopathy, 84. Last evaluated: 2022-08-19. Review status: criteria provided, single submitter. Criteria: ACMG Guidelines, 2015. Collection method: clinical testing. Allele origin: germline. Inheritance: Autosomal recessive inheritance. Affected: yes.
Comment: This sequence variant is a single nucleotide substitution (T>C) at coding position 1066 of the UGDH gene that results in a tyrosine to histidine amino acid change at residue 356 of the UGDH protein. This is a novel variant that has not been observed in databases of clinically annotated variants, was not reported in the literature in individuals with UGDH-related disease, and is absent in control population datasets (gnomAD database 0 of ~230,000 alleles). Bioinformatic tools produce mixed predictions as to whether this variant would be tolerated or damaging, and the Tyr356 residue is highly conserved across the vertebrate species examined. This amino acid falls within the UDP binding domain, which is important for the enzymatic activity of UGDH. Functiol studies testing the effect of this variant on protein structure or activity have not been performed, to our knowledge. At this time, there is insufficient evidence to determine if this variant is pathogenic or benign. Therefore, we consider this to be a variant of uncertain significance. ACMG Criteria: PM2

NM_003359.4(UGDH):c.1066T>C (p.Tyr356His)

Gene: UGDH (UDP-glucose 6-dehydrogenase; minus strand). Cytogenetic location: 4p14.
Variant type: single nucleotide variant.
Coding change: c.1066T>C on transcript NM_003359.4 (MANE Select); coding-DNA position 1066, T replaced by C.
Protein change: p.Tyr356His; replaces tyrosine 356 with histidine.
Molecular consequence: missense variant.
Genome position (GRCh38, 1-based): chr4:39,505,342, A>G on the plus strand (T>C on the coding strand, the complement: UGDH is on the minus strand). VCF-style: chr4-39505342-A-G. GRCh37 (hg19) VCF-style: chr4-39506962-A-G.
Other names: c.865T>C, p.Tyr289His (NM_001184700.2); c.775T>C, p.Tyr259His (NM_001184701.2); short protein forms Y259H, Y289H, Y356H.
Identifiers: ClinVar variation 3376215 (VCV003376215.1).